The following is an entry in ClinVar:

ClinVar aggregate classification (germline): Uncertain significance. Review status: criteria provided, multiple submitters, no conflicts (2 of 4 stars). 3 submissions from 3 submitters: Uncertain significance (3). Last evaluated 2024-11-15.
ClinVar aggregate classification (oncogenicity): Uncertain significance (1 of 4 stars; one submission).

Conditions:
Hereditary cancer-predisposing syndrome. Also called: Hereditary neoplastic syndrome; Tumor predisposition; Neoplastic Syndromes, Hereditary; Hereditary Cancer Syndrome. Identifiers: Orphanet 140162, MedGen C0027672, MeSH D009386, MONDO:0015356.
Ataxia-telangiectasia syndrome (AT). Also called: LOUIS-BAR SYNDROME; Cerebello-oculocutaneous telangiectasia; Immunodeficiency with ataxia telangiectasia; Ataxia-telangiectasia, complementation group E; Ataxia-telangiectasia, complementation group D; Ataxia telangiectasia (A-T). Identifiers: Orphanet 100, MedGen C0004135, MONDO:0008840, OMIM 208900.
Neoplasm. Also called: Neoplasms; Neoplasm (disease); tumor. Identifiers: MedGen C0027651, MeSH D009369, MONDO:0005070, HP:0002664.

Submissions (4):

Center for Genomic Medicine, Rigshospitalet, Copenhagen University Hospital
Classification: Uncertain significance for Neoplasm. Last evaluated: 2026-10-16. Review status: criteria provided, single submitter. Criteria: ClinGen/CGC/VICC Guidelines for Oncogenicity, 2022. Collection method: clinical testing. Allele origin: somatic. Affected: yes.

Ambry Genetics
Classification: Uncertain significance for Hereditary cancer-predisposing syndrome. Last evaluated: 2024-11-15. Review status: criteria provided, single submitter. Criteria: Ambry Variant Classification Scheme 2023. Collection method: clinical testing. Allele origin: germline.
Comment: The p.W412C variant (also known as c.1236G>T), located in coding exon 9 of the ATM gene, results from a G to T substitution at nucleotide position 1236. This variant impacts the first base pair of coding exon 9. The tryptophan at codon 412 is replaced by cysteine, an amino acid with highly dissimilar properties. This variant was detected once in a cohort of 1663 Brazilian breast cancer patients who underwent hereditary multigene panel testing (Guindalini RSC et al. Sci Rep, 2022 Mar;12:4190). This amino acid position is highly conserved in available vertebrate species. In addition, the in silico prediction for this alteration is inconclusive. Based on the available evidence, the clinical significance of this variant remains unclear.

ARUP Laboratories, Molecular Genetics and Genomics, ARUP Laboratories
Classification: Uncertain significance. Last evaluated: 2022-01-13. Review status: criteria provided, single submitter. Criteria: ARUP Molecular Germline Variant Investigation Process 2021. Collection method: clinical testing. Allele origin: germline.
Comment: The ATM c.1236G>T; p.Trp412Cys variant (rs79220522), to our knowledge, is not reported in the medical literature but is reported in ClinVar (Variation ID: 584777). This variant is found in the general population with an overall allele frequency of 0.0024% (6/250182 alleles) in the Genome Aggregation Database. The tryptophan at codon 412 is highly conserved, and computational analyses are uncertain whether this variant is neutral or deleterious (REVEL: 0.494). Due to limited information, the clinical significance of this variant is uncertain at this time.

Mendelics
Classification: Uncertain significance for Ataxia-telangiectasia syndrome. Last evaluated: 2018-07-02. Review status: criteria provided, single submitter. Criteria: Mendelics Assertion Criteria 2017. Collection method: clinical testing. Allele origin: unknown.

Literature cited by the submitters: PubMed 24586880 (cited by Center for Genomic Medicine, Rigshospitalet, Copenhagen University Hospital); PubMed 40580951 (cited by Center for Genomic Medicine, Rigshospitalet, Copenhagen University Hospital); PubMed 35264596 (cited by Center for Genomic Medicine, Rigshospitalet, Copenhagen University Hospital and Ambry Genetics).

NM_000051.4(ATM):c.1236G>T (p.Trp412Cys)

Gene: ATM (ATM serine/threonine kinase; plus strand). Cytogenetic location: 11q22.3.
Variant type: single nucleotide variant.
Coding change: c.1236G>T on transcript NM_000051.4 (MANE Select); coding-DNA position 1236, G replaced by T.
Protein change: p.Trp412Cys; replaces tryptophan 412 with cysteine.
Molecular consequence: missense variant.
Genome position (GRCh38, 1-based): chr11:108,250,701, G>T. VCF-style: chr11-108250701-G-T. GRCh37 (hg19) VCF-style: chr11-108121428-G-T.
Other names: c.1236G>T (NM_000051.3); c.1236G>T, p.Trp412Cys (NM_001351834.2); short protein forms W412C.
Identifiers: ClinVar variation 584777 (VCV000584777.11), dbSNP rs79220522, ClinGen allele CA228390801.